The following is an entry in ClinVar:

ClinVar aggregate classification (germline): Uncertain significance (1 of 4 stars; one submission).

Submission:

Ambry Genetics
Classification: Uncertain significance. Last evaluated: 2026-01-22. Review status: criteria provided, single submitter. Criteria: Ambry Variant Classification Scheme 2023. Collection method: clinical testing. Allele origin: germline.
Comment: The p.S1035R variant (also known as c.3105T>A), located in coding exon 27 of the KIF1B gene, results from a T to A substitution at nucleotide position 3105. The serine at codon 1035 is replaced by arginine, an amino acid with dissimilar properties. This amino acid position is conserved. In addition, this alteration is predicted to be tolerated by in silico analysis. Based on the available evidence, the clinical significance of this variant remains unclear.

NM_001365951.3(KIF1B):c.3243T>A (p.Ser1081Arg)

Gene: KIF1B (kinesin family member 1B; plus strand). Cytogenetic location: 1p36.22.
Variant type: single nucleotide variant.
Coding change: c.3243T>A on transcript NM_001365951.3 (MANE Select); coding-DNA position 3243, T replaced by A.
Protein change: p.Ser1081Arg; replaces serine 1081 with arginine.
Molecular consequence: missense variant.
Genome position (GRCh38, 1-based): chr1:10,337,187, T>A. VCF-style: chr1-10337187-T-A. GRCh37 (hg19) VCF-style: chr1-10397245-T-A.
Other names: c.3243T>A, p.Ser1081Arg (NM_001365952.1); c.3105T>A, p.Ser1035Arg (NM_015074.3); short protein forms S1035R, S1081R.
Identifiers: ClinVar variation 4844664 (VCV004844664.1).